The following is an entry in ClinVar:

ClinVar aggregate classification (germline): Benign/Likely benign. Review status: criteria provided, multiple submitters, no conflicts (2 of 4 stars). 3 submissions from 3 submitters: Benign (1); Likely benign (2). Last evaluated 2026-01-31.

Conditions:
Mitochondrial complex II deficiency, nuclear type 1. Also called: SUCCINATE CoQ REDUCTASE DEFICIENCY. Identifiers: Orphanet 3208, MedGen C5700310, MONDO:0100294, OMIM 252011.
Pheochromocytoma/paraganglioma syndrome 5. Also called: Paragangliomas 5; SDHA-Related Hereditary Paraganglioma-Pheochromocytoma Syndrome. Identifiers: Orphanet 29072, MedGen C3279992, MONDO:0013602, OMIM 614165.
Hereditary cancer-predisposing syndrome. Also called: Neoplastic Syndromes, Hereditary; Hereditary Cancer Syndrome; Hereditary neoplastic syndrome; Tumor predisposition. Identifiers: Orphanet 140162, MedGen C0027672, MeSH D009386, MONDO:0015356.

Allele frequency attached by ClinVar (database versions not stated): ExAC 0.00001; gnomAD 0.00001 and 0.00002; gnomAD exomes 0.00001; TOPMed 0.00001.
gnomAD v4.1: 13 of 1,613,774 alleles (0.00081%); highest among the groups gnomAD compares: East Asian, 0.0022%; no homozygotes.

Submissions (3):

Labcorp Genetics (formerly Invitae), Labcorp
Classification: Likely benign for Pheochromocytoma/paraganglioma syndrome 5; Mitochondrial complex II deficiency, nuclear type 1. Last evaluated: 2026-01-31. Review status: criteria provided, single submitter. Criteria: Invitae Variant Classification Sherloc (09022015). Collection method: clinical testing. Allele origin: germline.

Myriad Genetics, Inc.
Classification: Benign for Pheochromocytoma/paraganglioma syndrome 5. Last evaluated: 2025-03-11. Review status: criteria provided, single submitter. Criteria: Myriad Autosomal Dominant, Autosomal Recessive and X-Linked Classification Criteria (2023). Collection method: clinical testing. Allele origin: unknown.
Comment: This variant is considered benign. This variant is a silent/synonymous amino acid change and it is not expected to impact splicing.

Ambry Genetics
Classification: Likely benign for Hereditary cancer-predisposing syndrome. Last evaluated: 2016-10-17. Review status: criteria provided, single submitter. Criteria: Ambry Variant Classification Scheme 2023. Collection method: clinical testing. Allele origin: germline.

NM_004168.4(SDHA):c.1740C>T (p.Tyr580=)

Gene: SDHA (succinate dehydrogenase complex flavoprotein subunit A; plus strand). Cytogenetic location: 5p15.33.
Variant type: single nucleotide variant.
Coding change: c.1740C>T on transcript NM_004168.4 (MANE Select); coding-DNA position 1740, C replaced by T.
Protein change: p.Tyr580=; no amino-acid change (tyrosine 580 retained).
Molecular consequence: synonymous variant. On other transcripts: intron variant (1).
Genome position (GRCh38, 1-based): chr5:251,414, C>T. VCF-style: chr5-251414-C-T. GRCh37 (hg19) VCF-style: chr5-251529-C-T.
Other names: c.1596C>T, p.Tyr532= (NM_001294332.2); c.1552-2979C>T (NM_001330758.2).
Identifiers: ClinVar variation 486358 (VCV000486358.17), dbSNP rs3181540, ClinGen allele CA3173345.